The following is an entry in ClinVar:

ClinVar aggregate classification (germline): Benign/Likely benign. Review status: criteria provided, multiple submitters, no conflicts (2 of 4 stars). 3 submissions from 3 submitters: Benign (1); Likely benign (2). Last evaluated 2026-04-30.

Conditions:
Colorectal cancer, hereditary nonpolyposis, type 7. Identifiers: Orphanet 144, MedGen C1858380, MONDO:0013725, OMIM 614385.

Allele frequency attached by ClinVar (database versions not stated): TOPMed 0.00001.

Submissions (3):

Myriad Genetics, Inc.
Classification: Benign for Colorectal cancer, hereditary nonpolyposis, type 7. Last evaluated: 2026-04-30. Review status: criteria provided, single submitter. Criteria: Myriad Autosomal Dominant, Autosomal Recessive and X-Linked Classification Criteria (2023). Collection method: clinical testing. Allele origin: unknown.
Comment: This variant is considered benign. This variant is a silent/synonymous amino acid change and it is not expected to impact splicing.

Labcorp Genetics (formerly Invitae), Labcorp
Classification: Likely benign for Colorectal cancer, hereditary nonpolyposis, type 7. Last evaluated: 2023-04-07. Review status: criteria provided, single submitter. Criteria: Invitae Variant Classification Sherloc (09022015). Collection method: clinical testing. Allele origin: germline.

Ambry Genetics
Classification: Likely benign. Last evaluated: 2022-07-19. Review status: criteria provided, single submitter. Criteria: Ambry Variant Classification Scheme 2023. Collection method: clinical testing. Allele origin: germline.

NM_001040108.2(MLH3):c.1728T>C (p.Ser576=)

Gene: MLH3 (mutL homolog 3; minus strand). Cytogenetic location: 14q24.3.
Variant type: single nucleotide variant.
Coding change: c.1728T>C on transcript NM_001040108.2 (MANE Select); coding-DNA position 1728, T replaced by C.
Protein change: p.Ser576=; no amino-acid change (serine 576 retained).
Molecular consequence: synonymous variant.
Genome position (GRCh38, 1-based): chr14:75,047,928, A>G on the plus strand (T>C on the coding strand, the complement: MLH3 is on the minus strand). VCF-style: chr14-75047928-A-G. GRCh37 (hg19) VCF-style: chr14-75514631-A-G.
Other names: c.1728T>C, p.Ser576= (NM_014381.3).
Identifiers: ClinVar variation 1778911 (VCV001778911.6), dbSNP rs1892372779, ClinGen allele CA487273480.